The following is an entry in ClinVar:

NM_000786.4(CYP51A1):c.280G>A (p.Ala94Thr)

Gene: CYP51A1 (cytochrome P450 family 51 subfamily A member 1; minus strand). Cytogenetic location: 7q21.2.
Variant type: single nucleotide variant.
Coding change: c.280G>A on transcript NM_000786.4 (MANE Select); coding-DNA position 280, G replaced by A.
Protein change: p.Ala94Thr; replaces alanine 94 with threonine.
Molecular consequence: missense variant. On other transcripts: 5 prime UTR variant (1).
Genome position (GRCh38, 1-based): chr7:92,131,785, C>T on the plus strand (G>A on the coding strand, the complement: CYP51A1 is on the minus strand). VCF-style: chr7-92131785-C-T. GRCh37 (hg19) VCF-style: chr7-91761099-C-T.
Other names: c.-36G>A (NM_001146152.2); short protein forms A94T.
Identifiers: ClinVar variation 1065597 (VCV001065597.1), dbSNP rs1819926035, ClinGen allele CA368180826.
Genomic context (GRCh38, chr7:92,131,785, plus strand): 5'-CTTCTCTAGTTGTTTTTTTTTTTTTCCTCTAATTATTTGGAAGACTTACCTTCTCATATG[C>T]ATTTTCTAGAAATTCAATTGGACTTTTCCCAAATGCTATGGCATGCCCAAGGAATGGAAT-3'
Protein context (NP_000777.1, residues 84-104): GKSPIEFLEN[Ala94Thr]YEKYGPVFSF

ClinVar aggregate classification (germline): Uncertain significance (0 of 4 stars; one submission).

Conditions:
Developmental cataract. Also called: Bilateral cataracts; Congenital cataract; Congenital cataracts. Identifiers: MedGen C0009691, HP:0000519.

Allele frequency attached by ClinVar (database versions not stated): gnomAD exomes below 0.00001.

Submission:

Dept. Genetics and Cancer, Menzies Institute for Medical Research, University of Tasmania
Classification: Uncertain significance for Developmental cataract. Last evaluated: 2021-05-01. Review status: no assertion criteria provided. Criteria: ACMG Guidelines, 2015. Collection method: research. Allele origin: germline. Affected: yes.
Comment: PM2, PP3. Absent/near absent from population databases and multiple predictive tools assessing variant as damaging/pathogenic.